The following is an entry in ClinVar:

ClinVar aggregate classification (germline): Likely pathogenic (1 of 4 stars; one submission).

Conditions:
Cardiovascular phenotype. Identifiers: MedGen CN230736.

Submission:

Ambry Genetics
Classification: Likely pathogenic for Cardiovascular phenotype. Last evaluated: 2020-02-27. Review status: criteria provided, single submitter. Criteria: Ambry Variant Classification Scheme 2023. Collection method: clinical testing. Allele origin: germline.
Comment: The c.1171-2_1195del27 variant spans the intron/exon boundary of coding exon 10 of the EFEMP2 gene. This variant results from a deletion of 27 nucleotides that encompasses the canonical acceptor 2 nucleotides upstream of coding exon 10 through nucleotide position 1195. Using the BDGP and ESEfinder splice site prediction tools, this alteration is predicted to abolish the native acceptor splice site; however, direct evidence is unavailable. Alterations that disrupt the canonical splice site are expected to cause aberrant splicing, resulting in an abnormal protein or a transcript that is subject to nonsense-mediated mRNA decay. As such, this alteration is classified as likely pathogenic.

NM_016938.5(EFEMP2):c.1171-2_1195del

Genes: EFEMP2 (EGF containing fibulin extracellular matrix protein 2; minus strand), MUS81 (MUS81 structure-specific endonuclease subunit; plus strand). Cytogenetic location: 11q13.1.
Variant type: Deletion.
Coding change: c.1171-2_1195del on transcript NM_016938.5 (MANE Select); the canonical splice acceptor site of the intron before coding-DNA position 1171 through coding-DNA position 1195, 27 bases deleted (AGCAAATCAACAACGTCAGCGCCATGC).
Molecular consequence: splice acceptor variant.
Genome position (GRCh38, 1-based): chr11:65,867,055-65,867,081, GCATGGCGCTGACGTTGTTGATTTGCT deleted on the plus strand (AGCAAATCAACAACGTCAGCGCCATGC on the coding strand, the reverse complement: EFEMP2 is on the minus strand); deleting any 27 consecutive bases within chr11:65,867,055-65,867,084 gives the same sequence; the c. name uses the placement nearest the transcript's 3' end. VCF-style (leftmost placement, unchanged base first): chr11-65867054-AGCATGGCGCTGACGTTGTTGATTTGCT-A. GRCh37 (hg19) VCF-style: chr11-65634525-AGCATGGCGCTGACGTTGTTGATTTGCT-A.
Identifiers: ClinVar variation 1739625 (VCV001739625.2), dbSNP rs1859863045, ClinGen allele CA1979439924.